The following is an entry in ClinVar:

ClinVar aggregate classification (germline): Uncertain significance (1 of 4 stars; one submission).

Conditions:
Xeroderma pigmentosum, group C (XPC). Also called: Xeroderma pigmentosum, complementation group C; XERODERMA PIGMENTOSUM III; XP, GROUP C; XPC-Related Xeroderma Pigmentosum. Identifiers: Orphanet 910, MedGen C2752147, MONDO:0010211, OMIM 278720.

Submission:

Myriad Genetics, Inc.
Classification: Uncertain significance for Xeroderma pigmentosum, group C. Last evaluated: 2025-11-05. Review status: criteria provided, single submitter. Criteria: Myriad Autosomal Dominant, Autosomal Recessive and X-Linked Classification Criteria (2023). Collection method: clinical testing. Allele origin: unknown.
Comment: NM_004628.4(XPC):c.407T>C(V136A) is a missense variant classified as a variant of uncertain significance in the context of xeroderma pigmentosum group C. V136A has not been observed in cases with relevant disease. Relevant functional assessments of this variant are available in the literature (PMID: 26278177). V136A has not been observed in referenced population frequency databases. In summary, there is insufficient evidence to classify NM_004628.4(XPC):c.407T>C(V136A) as pathogenic or benign. Please note: this variant was assessed in the context of healthy population screening.

Literature cited by the submitters: PubMed 26278177.

NM_004628.5(XPC):c.407T>C (p.Val136Ala)

Gene: XPC (XPC complex subunit, DNA damage recognition and repair factor; minus strand). Cytogenetic location: 3p25.1.
Variant type: single nucleotide variant.
Coding change: c.407T>C on transcript NM_004628.5 (MANE Select); coding-DNA position 407, T replaced by C.
Protein change: p.Val136Ala; replaces valine 136 with alanine.
Molecular consequence: missense variant. On other transcripts: 5 prime UTR variant (1), non-coding transcript variant (2).
Genome position (GRCh38, 1-based): chr3:14,170,443, A>G on the plus strand (T>C on the coding strand, the complement: XPC is on the minus strand). VCF-style: chr3-14170443-A-G. GRCh37 (hg19) VCF-style: chr3-14211943-A-G.
Other names: c.-49T>C (NM_001354726.2); c.407T>C, p.Val136Ala (NM_001354727.2, NM_001354730.2); c.389T>C, p.Val130Ala (NM_001354729.2); short protein forms V130A, V136A.
Identifiers: ClinVar variation 5003573 (VCV005003573.1).
Genomic context (GRCh38, chr3:14,170,443, plus strand): 5'-AAACAAAAAAACAAACAGAACCAAACAGTTCTGAAAACAAAGAAAGATGTTTCACCTTCA[A>G]CCTCTTCCCAATCATTTTCACTTTCTTCCTCTTCTTCATTGCTGTCTTCATTCATGGTAG-3'
Protein context (NP_004619.3, residues 126-146): EEESENDWEE[Val136Ala]EELSEPVLGD